The following is an entry in ClinVar:

NM_001184.4(ATR):c.3120G>A (p.Leu1040=)

Gene: ATR (ATR checkpoint kinase; minus strand). Cytogenetic location: 3q23.
Variant type: single nucleotide variant.
Coding change: c.3120G>A on transcript NM_001184.4 (MANE Select); coding-DNA position 3120, G replaced by A.
Protein change: p.Leu1040=; no amino-acid change (leucine 1040 retained).
Molecular consequence: synonymous variant.
Genome position (GRCh38, 1-based): chr3:142,549,530, C>T on the plus strand (G>A on the coding strand, the complement: ATR is on the minus strand). VCF-style: chr3-142549530-C-T. GRCh37 (hg19) VCF-style: chr3-142268372-C-T.
Other names: c.2928G>A, p.Leu976= (NM_001354579.2).
Identifiers: ClinVar variation 157975 (VCV000157975.39), dbSNP rs28910272, ClinGen allele CA171353.

ClinVar aggregate classification (germline): Benign. Review status: criteria provided, multiple submitters, no conflicts (2 of 4 stars). 11 submissions from 10 submitters: Benign (11). Last evaluated 2026-02-02.

Conditions:
Familial cutaneous telangiectasia and oropharyngeal predisposition cancer syndrome. Identifiers: Orphanet 313846, MedGen C3281203, MONDO:0013806, OMIM 614564.
Seckel syndrome 1 (SCKL1). Also called: MICROCEPHALIC PRIMORDIAL DWARFISM I. Identifiers: Orphanet 808, MedGen C4551474, MONDO:0008869, OMIM 210600.

Allele frequency attached by ClinVar (database versions not stated): 1000 Genomes Project 30x 0.01733; TOPMed 0.01832; 1000 Genomes Project 0.01877; ESP Exome Variant Server 0.01914.
gnomAD v4.1: 31,346 of 1,609,962 alleles (1.9%); highest among the groups gnomAD compares: South Asian, 4.1%; 392 homozygotes.

Submissions (25):

Labcorp Genetics (formerly Invitae), Labcorp
Classification: Benign. Last evaluated: 2026-02-02. Review status: criteria provided, single submitter. Criteria: Invitae Variant Classification Sherloc (09022015). Collection method: clinical testing. Allele origin: germline.

CeGaT Center for Human Genetics Tuebingen
Classification: Benign. Last evaluated: 2025-06-01. Review status: criteria provided, single submitter. Criteria: CeGaT Center For Human Genetics Tuebingen Variant Classification Criteria Version 2. Collection method: clinical testing. Allele origin: germline. Affected: yes. Observed: 1 variant allele.
Comment: ATR: BP4, BS1, BS2

ARUP Laboratories, Molecular Genetics and Genomics, ARUP Laboratories
Classification: Benign. Last evaluated: 2023-11-02. Review status: criteria provided, single submitter. Criteria: ARUP Molecular Germline Variant Investigation Process 2024. Collection method: clinical testing. Allele origin: germline.

KCCC/NGS Laboratory, Kuwait Cancer Control Center
Classification: Benign for Familial cutaneous telangiectasia and oropharyngeal predisposition cancer syndrome. Last evaluated: 2023-07-07. Review status: criteria provided, single submitter. Criteria: ACMG Guidelines, 2015. Collection method: clinical testing. Allele origin: germline. Affected: yes.

Genome-Nilou Lab
Classification: Benign for Seckel syndrome 1. Last evaluated: 2023-02-08. Review status: criteria provided, single submitter. Criteria: ACMG Guidelines, 2015. Collection method: clinical testing. Allele origin: germline.

Genome-Nilou Lab
Classification: Benign for Familial cutaneous telangiectasia and oropharyngeal predisposition cancer syndrome. Last evaluated: 2023-02-08. Review status: criteria provided, single submitter. Criteria: ACMG Guidelines, 2015. Collection method: clinical testing. Allele origin: germline.

Illumina Laboratory Services, Illumina
Classification: Benign for Seckel syndrome 1. Last evaluated: 2018-01-12. Review status: criteria provided, single submitter. Criteria: ICSL Variant Classification Criteria 13 December 2019. Collection method: clinical testing. Allele origin: germline.
Comment: This variant was observed in the ICSL laboratory as part of a predisposition screen in an ostensibly healthy population. It had not been previously curated by ICSL or reported in the Human Gene Mutation Database (HGMD: prior to June 1st, 2018), and was therefore a candidate for classification through an automated scoring system. Utilizing variant allele frequency, disease prevalence and penetrance estimates, and inheritance mode, an automated score was calculated to assess if this variant is too frequent to cause the disease. Based on the score and internal cut-off values, a variant classified as benign is not then subjected to further curation. The score for this variant resulted in a classification of benign for this disease.

Women's Health and Genetics/Laboratory Corporation of America, LabCorp
Classification: Benign. Last evaluated: 2016-04-28. Review status: criteria provided, single submitter. Criteria: LabCorp Variant Classification Summary - May 2015. Collection method: clinical testing. Allele origin: germline.
Comment: Variant summary: The variant of interest causes a synonymous change involving a conserved nucleotide with 4/5 in silico programs via Alamut predicting an effect on splicing, although these predictions have yet to be functionally assessed. The variant of interest was observed in the large, broad control population, ExAC, with an allele frequency of 2205/111476 (1/50 including 40 homozygotes), which exceeds the predicted maximum expected allele frequency for a pathogenic ATR variant of 1/1666666. In addition, a reputable clinical laboratory cites the variant as "benign." Therefore, taking all available lines of evidence into consideration, the variant of interest is classified as Benign.

GeneDx
Classification: Benign. Last evaluated: 2015-03-03. Review status: criteria provided, single submitter. Criteria: GeneDx Variant Classification (06012015). Collection method: clinical testing. Allele origin: germline. Affected: yes.

Genetic Services Laboratory, University of Chicago
Classification: Benign. Last evaluated: 2013-07-02. Review status: criteria provided, single submitter. Criteria: ACMG Guidelines, 2007. Collection method: clinical testing. Allele origin: germline. Inheritance: Autosomal recessive inheritance.

Breakthrough Genomics
Classification: Benign. Review status: criteria provided, single submitter. Criteria: ACMG Guidelines, 2015. Collection method: not provided. Allele origin: germline. Inheritance: Autosomal recessive inheritance. Affected: yes.

Dr. Peter K. Rogan Lab, Western University
No classification provided (evidence only). Condition: Clear cell carcinoma of kidney. Review status: no classification provided. Collection method: in vitro. Allele origin: not applicable. Functional consequence: retained intron. Not counted in ClinVar's aggregate classification.

Dr. Peter K. Rogan Lab, Western University
No classification provided (evidence only). Condition: Lung cancer. Review status: no classification provided. Collection method: in vitro. Allele origin: not applicable. Functional consequence: retained intron. Not counted in ClinVar's aggregate classification.

Dr. Peter K. Rogan Lab, Western University
No classification provided (evidence only). Condition: Acute myeloid leukemia. Review status: no classification provided. Collection method: in vitro. Allele origin: not applicable. Functional consequence: retained intron. Not counted in ClinVar's aggregate classification.

Dr. Peter K. Rogan Lab, Western University
No classification provided (evidence only). Condition: Acute myeloid leukemia. Review status: no classification provided. Collection method: in vitro. Allele origin: not applicable. Functional consequence: retained intron. Not counted in ClinVar's aggregate classification.

Dr. Peter K. Rogan Lab, Western University
No classification provided (evidence only). Condition: Thyroid cancer, nonmedullary, 1. Review status: no classification provided. Collection method: in vitro. Allele origin: not applicable. Functional consequence: retained intron. Not counted in ClinVar's aggregate classification.

Dr. Peter K. Rogan Lab, Western University
No classification provided (evidence only). Condition: Thyroid cancer, nonmedullary, 1. Review status: no classification provided. Collection method: in vitro. Allele origin: not applicable. Functional consequence: retained intron. Not counted in ClinVar's aggregate classification.

Dr. Peter K. Rogan Lab, Western University
No classification provided (evidence only). Condition: Thyroid cancer, nonmedullary, 1. Review status: no classification provided. Collection method: in vitro. Allele origin: not applicable. Functional consequence: retained intron. Not counted in ClinVar's aggregate classification.

Dr. Peter K. Rogan Lab, Western University
No classification provided (evidence only). Condition: Cervical cancer. Review status: no classification provided. Collection method: in vitro. Allele origin: not applicable. Functional consequence: retained intron. Not counted in ClinVar's aggregate classification.

Dr. Peter K. Rogan Lab, Western University
No classification provided (evidence only). Condition: Sarcoma. Review status: no classification provided. Collection method: in vitro. Allele origin: not applicable. Functional consequence: retained intron. Not counted in ClinVar's aggregate classification.

Dr. Peter K. Rogan Lab, Western University
No classification provided (evidence only). Condition: Sarcoma. Review status: no classification provided. Collection method: in vitro. Allele origin: not applicable. Functional consequence: retained intron. Not counted in ClinVar's aggregate classification.

Dr. Peter K. Rogan Lab, Western University
No classification provided (evidence only). Condition: Sarcoma. Review status: no classification provided. Collection method: in vitro. Allele origin: not applicable. Functional consequence: retained intron. Not counted in ClinVar's aggregate classification.

Dr. Peter K. Rogan Lab, Western University
No classification provided (evidence only). Condition: Sarcoma. Review status: no classification provided. Collection method: in vitro. Allele origin: not applicable. Functional consequence: retained intron. Not counted in ClinVar's aggregate classification.

Dr. Peter K. Rogan Lab, Western University
No classification provided (evidence only). Condition: Adrenocortical carcinoma, hereditary. Review status: no classification provided. Collection method: in vitro. Allele origin: not applicable. Functional consequence: retained intron. Not counted in ClinVar's aggregate classification.

Dr. Peter K. Rogan Lab, Western University
No classification provided (evidence only). Condition: Malignant tumor of esophagus. Review status: no classification provided. Collection method: in vitro. Allele origin: not applicable. Functional consequence: retained intron. Not counted in ClinVar's aggregate classification.